The following is an entry in ClinVar:

ClinVar aggregate classification (germline): Conflicting classifications of pathogenicity. Review status: criteria provided, conflicting classifications (1 of 4 stars). 2 submissions from 2 submitters: Uncertain significance (1); Likely benign (1). Last evaluated 2026-05-26.

Conditions:
Hereditary cancer-predisposing syndrome. Also called: Tumor predisposition; Neoplastic Syndromes, Hereditary; Hereditary Cancer Syndrome; Hereditary neoplastic syndrome. Identifiers: Orphanet 140162, MedGen C0027672, MeSH D009386, MONDO:0015356.
Hereditary diffuse gastric adenocarcinoma (HDGC). Also called: DIFFUSE GASTRIC AND LOBULAR BREAST CANCER SYNDROME. Identifiers: Orphanet 26106, MedGen C1708349, MONDO:0007648, OMIM 137215.

Submissions (2):

Ambry Genetics
Classification: Likely benign for Hereditary cancer-predisposing syndrome. Last evaluated: 2026-05-26. Review status: criteria provided, single submitter. Criteria: Ambry Variant Classification Scheme 2023. Collection method: clinical testing. Allele origin: germline.

Labcorp Genetics (formerly Invitae), Labcorp
Classification: Uncertain significance for Hereditary diffuse gastric adenocarcinoma. Last evaluated: 2025-04-03. Review status: criteria provided, single submitter. Criteria: Invitae Variant Classification Sherloc (09022015). Collection method: clinical testing. Allele origin: germline.
Comment: This sequence change replaces serine, which is neutral and polar, with alanine, which is neutral and non-polar, at codon 131 of the CDH1 protein (p.Ser131Ala). This variant is not present in population databases (gnomAD no frequency). This variant has not been reported in the literature in individuals affected with CDH1-related conditions. ClinVar contains an entry for this variant (Variation ID: 1413279). An algorithm developed to predict the effect of missense changes on protein structure and function outputs the following: PolyPhen-2: "Benign". The alanine amino acid residue is found in multiple mammalian species, which suggests that this missense change does not adversely affect protein function. In summary, the available evidence is currently insufficient to determine the role of this variant in disease. Therefore, it has been classified as a Variant of Uncertain Significance.

NM_004360.5(CDH1):c.391T>G (p.Ser131Ala)

Gene: CDH1 (cadherin 1; plus strand). Cytogenetic location: 16q22.1.
Variant type: single nucleotide variant.
Coding change: c.391T>G on transcript NM_004360.5 (MANE Select); coding-DNA position 391, T replaced by G.
Protein change: p.Ser131Ala; replaces serine 131 with alanine.
Molecular consequence: missense variant. On other transcripts: 5 prime UTR variant (2).
Genome position (GRCh38, 1-based): chr16:68,808,427, T>G. VCF-style: chr16-68808427-T-G. GRCh37 (hg19) VCF-style: chr16-68842330-T-G.
Other names: c.391T>G, p.Ser131Ala (NM_001317184.2); c.-1225T>G (NM_001317185.2); c.-1429T>G (NM_001317186.2); c.391T>G (NM_004360.3); short protein forms S131A.
Identifiers: ClinVar variation 1413279 (VCV001413279.10), dbSNP rs2152129586, ClinGen allele CA396457526.